The following is an entry in ClinVar:

NM_001845.6(COL4A1):c.2172C>G (p.Asn724Lys)

Gene: COL4A1 (collagen type IV alpha 1 chain; minus strand). Cytogenetic location: 13q34.
Variant type: single nucleotide variant.
Coding change: c.2172C>G on transcript NM_001845.6 (MANE Select); coding-DNA position 2172, C replaced by G.
Protein change: p.Asn724Lys; replaces asparagine 724 with lysine.
Molecular consequence: missense variant.
Genome position (GRCh38, 1-based): chr13:110,181,313, G>C on the plus strand (C>G on the coding strand, the complement: COL4A1 is on the minus strand). VCF-style: chr13-110181313-G-C. GRCh37 (hg19) VCF-style: chr13-110833660-G-C.
Other names: short protein forms N724K.
Identifiers: ClinVar variation 4755079 (VCV004755079.1).
Genomic context (GRCh38, chr13:110,181,313, plus strand): 5'-TGGGGGAGAAGGGTCATGGAGGGAATGCTTGGCACTCACCTTCTGGCCCTGCACACCTGG[G>C]TTCCCAGGTAAGCCATTAAATCCCGGGCGACCTGGAGTCCCCGGTGGCCCCATGTCTCCA-3'
Protein context (NP_001836.3, residues 714-734): GRPGFNGLPG[Asn724Lys]PGVQGQKGEP

ClinVar aggregate classification (germline): Uncertain significance (1 of 4 stars; one submission).

gnomAD v4.1: 3 of 1,613,754 alleles (0.00019%); highest among the groups gnomAD compares: Admixed American, 0.005%; no homozygotes.

Submission:

Labcorp Genetics (formerly Invitae), Labcorp
Classification: Uncertain significance. Last evaluated: 2025-04-15. Review status: criteria provided, single submitter. Criteria: Invitae Variant Classification Sherloc (09022015). Collection method: clinical testing. Allele origin: germline.
Comment: This sequence change replaces asparagine, which is neutral and polar, with lysine, which is basic and polar, at codon 724 of the COL4A1 protein (p.Asn724Lys). This variant is present in population databases (no rsID available, gnomAD 0.009%). This variant has not been reported in the literature in individuals affected with COL4A1-related conditions. Invitae Evidence Modeling of protein sequence and biophysical properties (such as structural, functional, and spatial information, amino acid conservation, physicochemical variation, residue mobility, and thermodynamic stability) indicates that this missense variant is not expected to disrupt COL4A1 protein function with a negative predictive value of 95%. In summary, the available evidence is currently insufficient to determine the role of this variant in disease. Therefore, it has been classified as a Variant of Uncertain Significance.